The following is an entry in ClinVar:

NM_001040142.2(SCN2A):c.1687C>T (p.Arg563Cys)

Gene: SCN2A (sodium voltage-gated channel alpha subunit 2; plus strand). Cytogenetic location: 2q24.3.
Variant type: single nucleotide variant.
Coding change: c.1687C>T on transcript NM_001040142.2 (MANE Select); coding-DNA position 1687, C replaced by T.
Protein change: p.Arg563Cys; replaces arginine 563 with cysteine.
Molecular consequence: missense variant.
Genome position (GRCh38, 1-based): chr2:165,323,171, C>T. VCF-style: chr2-165323171-C-T. GRCh37 (hg19) VCF-style: chr2-166179681-C-T.
Other names: c.1687C>T, p.Arg563Cys (NM_001040143.2, NM_001371246.1, NM_001371247.1 and 1 more transcripts); short protein forms R563C.
Identifiers: ClinVar variation 3749014 (VCV003749014.2).

ClinVar aggregate classification (germline): Uncertain significance (1 of 4 stars; one submission).

Conditions:
Seizures, benign familial infantile, 3 (BFIS3). Also called: Familial neonatal seizures; CONVULSIONS, BENIGN FAMILIAL INFANTILE, 3. Identifiers: Orphanet 140927, Orphanet 306, MedGen C1843140, MONDO:0011904, OMIM 607745.
Developmental and epileptic encephalopathy, 11 (DEE11). Also called: Early infantile epileptic encephalopathy 11. Identifiers: Orphanet 1934, MedGen C3150987, MONDO:0013388, OMIM 613721.

gnomAD v4.1: 3 of 1,614,098 alleles (0.00019%); highest among the groups gnomAD compares: South Asian, 0.0022%; no homozygotes.

Submission:

Labcorp Genetics (formerly Invitae), Labcorp
Classification: Uncertain significance for Seizures, benign familial infantile, 3; Developmental and epileptic encephalopathy, 11. Last evaluated: 2024-02-17. Review status: criteria provided, single submitter. Criteria: Invitae Variant Classification Sherloc (09022015). Collection method: clinical testing. Allele origin: germline.
Comment: This sequence change replaces arginine, which is basic and polar, with cysteine, which is neutral and slightly polar, at codon 563 of the SCN2A protein (p.Arg563Cys). The frequency data for this variant in the population databases is considered unreliable, as metrics indicate poor data quality at this position in the gnomAD database. This variant has not been reported in the literature in individuals affected with SCN2A-related conditions. Advanced modeling of protein sequence and biophysical properties (such as structural, functional, and spatial information, amino acid conservation, physicochemical variation, residue mobility, and thermodynamic stability) has been performed at Invitae for this missense variant, however the output from this modeling did not meet the statistical confidence thresholds required to predict the impact of this variant on SCN2A protein function. In summary, the available evidence is currently insufficient to determine the role of this variant in disease. Therefore, it has been classified as a Variant of Uncertain Significance.